The following is an entry in ClinVar:

ClinVar aggregate classification (germline): Uncertain significance. Review status: criteria provided, multiple submitters, no conflicts (2 of 4 stars). 2 submissions from 2 submitters: Uncertain significance (2). Last evaluated 2025-05-14.

Conditions:
Inborn genetic diseases. Identifiers: MedGen C0950123, MeSH D030342.
Epidermolysis bullosa simplex 5B, with muscular dystrophy (EBS5B). Also called: Epidermolysis bullosa simplex with muscular dystrophy; EPIDERMOLYSIS BULLOSA SIMPLEX AND LIMB-GIRDLE MUSCULAR DYSTROPHY. Identifiers: Orphanet 257, MedGen C2931072, MONDO:0009181, OMIM 226670.
Epidermolysis bullosa simplex 5C, with pyloric atresia (EBS5C). Also called: PLEC1-Related Epidermolysis Bullosa with Pyloric Atresia; PLEC-Related Epidermolysis Bullosa with Pyloric Atresia; Epidermolysis bullosa simplex with pyloric atresia. Identifiers: Orphanet 158684, MedGen C2677349, MONDO:0012807, OMIM 612138.
Autosomal recessive limb-girdle muscular dystrophy type 2Q (LGMDR17). Also called: MUSCULAR DYSTROPHY, LIMB-GIRDLE, AUTOSOMAL RECESSIVE 17. Identifiers: Orphanet 254361, MedGen C3150989, MONDO:0013390, OMIM 613723.
Epidermolysis bullosa simplex, Ogna type (EBS5A). Also called: Pidermolysis bullosa simplex 5A, Ogna type; EPIDERMOLYSIS BULLOSA SIMPLEX 5A, OGNA TYPE. Identifiers: Orphanet 79401, MedGen C0432317, MONDO:0007555, OMIM 131950.
Epidermolysis bullosa simplex with nail dystrophy (EBS5D). Identifiers: MedGen C4225309, MONDO:0014661, OMIM 616487.

Allele frequency attached by ClinVar (database versions not stated): gnomAD exomes below 0.00001; gnomAD 0.00001; TOPMed 0.00005.
gnomAD v4.1: 3 of 1,568,976 alleles (0.00019%); highest among the groups gnomAD compares: Admixed American, 0.0053%; no homozygotes.

Submissions (2):

Ambry Genetics
Classification: Uncertain significance for Inborn genetic diseases. Last evaluated: 2025-05-14. Review status: criteria provided, single submitter. Criteria: Ambry Variant Classification Scheme 2023. Collection method: clinical testing. Allele origin: germline.

Labcorp Genetics (formerly Invitae), Labcorp
Classification: Uncertain significance for Autosomal recessive limb-girdle muscular dystrophy type 2Q; Epidermolysis bullosa simplex, Ogna type; Epidermolysis bullosa simplex with nail dystrophy; Epidermolysis bullosa simplex 5C, with pyloric atresia; Epidermolysis bullosa simplex 5B, with muscular dystrophy. Last evaluated: 2022-11-20. Review status: criteria provided, single submitter. Criteria: Invitae Variant Classification Sherloc (09022015). Collection method: clinical testing. Allele origin: germline.
Comment: In summary, the available evidence is currently insufficient to determine the role of this variant in disease. Therefore, it has been classified as a Variant of Uncertain Significance. Advanced modeling of protein sequence and biophysical properties (such as structural, functional, and spatial information, amino acid conservation, physicochemical variation, residue mobility, and thermodynamic stability) performed at Invitae indicates that this missense variant is not expected to disrupt PLEC protein function. ClinVar contains an entry for this variant (Variation ID: 1394542). This variant has not been reported in the literature in individuals affected with PLEC-related conditions. This variant is not present in population databases (gnomAD no frequency). This sequence change replaces glutamic acid, which is acidic and polar, with alanine, which is neutral and non-polar, at codon 1567 of the PLEC protein (p.Glu1567Ala).

NM_201384.3(PLEC):c.4619A>C (p.Glu1540Ala)

Gene: PLEC (plectin; minus strand). Cytogenetic location: 8q24.3.
Variant type: single nucleotide variant.
Coding change: c.4619A>C on transcript NM_201384.3 (MANE Select); coding-DNA position 4619, A replaced by C.
Protein change: p.Glu1540Ala; replaces glutamic acid 1540 with alanine.
Molecular consequence: missense variant.
Genome position (GRCh38, 1-based): chr8:143,925,310, T>G on the plus strand (A>C on the coding strand, the complement: PLEC is on the minus strand). VCF-style: chr8-143925310-T-G. GRCh37 (hg19) VCF-style: chr8-144999478-T-G.
Other names: c.4553A>C, p.Glu1518Ala (NM_201379.3); c.5030A>C, p.Glu1677Ala (NM_201380.4); c.4523A>C, p.Glu1508Ala (NM_201381.3); c.4619A>C, p.Glu1540Ala (NM_201382.4); c.4631A>C, p.Glu1544Ala (NM_201383.3); c.4700A>C, p.Glu1567Ala (NM_000445.5); c.4577A>C, p.Glu1526Ala (NM_201378.4); c.4700A>C (NM_000445.3); short protein forms E1540A, E1567A, E1677A, E1526A, E1508A, E1518A, E1544A.
Identifiers: ClinVar variation 1394542 (VCV001394542.8), dbSNP rs1206278709, ClinGen allele CA372554653.